The following is an entry in ClinVar:

NM_004958.4(MTOR):c.1151A>G (p.Lys384Arg)

Gene: MTOR (mechanistic target of rapamycin kinase; minus strand). Cytogenetic location: 1p36.22.
Variant type: single nucleotide variant.
Coding change: c.1151A>G on transcript NM_004958.4 (MANE Select); coding-DNA position 1151, A replaced by G.
Protein change: p.Lys384Arg; replaces lysine 384 with arginine.
Molecular consequence: missense variant.
Genome position (GRCh38, 1-based): chr1:11,247,699, T>C on the plus strand (A>G on the coding strand, the complement: MTOR is on the minus strand). VCF-style: chr1-11247699-T-C. GRCh37 (hg19) VCF-style: chr1-11307756-T-C.
Other names: c.1151A>G (LRG_734t1); short protein forms K384R.
Identifiers: ClinVar variation 452386 (VCV000452386.3), dbSNP rs1553128720, ClinGen allele CA338399204.

ClinVar aggregate classification (germline): Uncertain significance (1 of 4 stars; one submission).

Submission:

GeneDx
Classification: Uncertain significance. Last evaluated: 2025-09-09. Review status: criteria provided, single submitter. Criteria: GeneDx Variant Classification Process June 2021. Collection method: clinical testing. Allele origin: germline. Affected: yes.
Comment: Not observed at significant frequency in large population cohorts (gnomAD); In silico analysis suggests that this missense variant does not alter protein structure/function; Has not been previously published as pathogenic or benign to our knowledge